The following is an entry in ClinVar:

ClinVar aggregate classification (germline): Uncertain significance (1 of 4 stars; one submission).

Submission:

GeneDx
Classification: Uncertain significance. Last evaluated: 2026-03-24. Review status: criteria provided, single submitter. Criteria: GeneDx Variant Classification Process June 2021. Collection method: clinical testing. Allele origin: germline.
Comment: Not observed at significant frequency in large population cohorts (gnomAD); In silico analysis suggests that this missense variant does not alter protein structure/function; Has not been previously published as pathogenic or benign to our knowledge

NM_020436.5(SALL4):c.3073G>A (p.Ala1025Thr)

Gene: SALL4 (spalt like transcription factor 4; minus strand). Cytogenetic location: 20q13.2.
Variant type: single nucleotide variant.
Coding change: c.3073G>A on transcript NM_020436.5 (MANE Select); coding-DNA position 3073, G replaced by A.
Protein change: p.Ala1025Thr; replaces alanine 1025 with threonine.
Molecular consequence: missense variant.
Genome position (GRCh38, 1-based): chr20:51,784,354, C>T on the plus strand (G>A on the coding strand, the complement: SALL4 is on the minus strand). VCF-style: chr20-51784354-C-T. GRCh37 (hg19) VCF-style: chr20-50400893-C-T.
Other names: c.1762G>A, p.Ala588Thr (NM_001318031.2); short protein forms A1025T, A588T.
Identifiers: ClinVar variation 5017340 (VCV005017340.1).